The following is an entry in ClinVar:

NM_001005361.3(DNM2):c.2291+4C>T

Gene: DNM2 (dynamin 2; plus strand). Cytogenetic location: 19p13.2.
Variant type: single nucleotide variant.
Coding change: c.2291+4C>T on transcript NM_001005361.3 (MANE Select); 4 bases into the intron after coding-DNA position 2291, C replaced by T.
Molecular consequence: intron variant.
Genome position (GRCh38, 1-based): chr19:10,829,272, C>T. VCF-style: chr19-10829272-C-T. GRCh37 (hg19) VCF-style: chr19-10939948-C-T.
Other names: c.2291+4C>T (NM_001005360.3, NM_001190716.2); c.2279+4C>T (NM_004945.4, NM_001005362.3).
Identifiers: ClinVar variation 665432 (VCV000665432.12), dbSNP rs200408852, ClinGen allele CA9201567.

ClinVar aggregate classification (germline): Likely benign. Review status: criteria provided, multiple submitters, no conflicts (2 of 4 stars). 2 submissions from 2 submitters: Likely benign (2). Last evaluated 2025-11-04.

Conditions:
Charcot-Marie-Tooth disease dominant intermediate B (CMTDIB). Also called: CHARCOT-MARIE-TOOTH NEUROPATHY, DOMINANT INTERMEDIATE B; Charcot-Marie-Tooth disease dominant intermediate 1; CMT DI1; Charcot-Marie-Tooth disease dominant intermediate I. Identifiers: Orphanet 100044, Orphanet 228179, MedGen C1847902, MONDO:0011674, OMIM 606482.
DNM2-related disorder. Also called: DNM2-related condition.

Allele frequency attached by ClinVar (database versions not stated): gnomAD 0.00004 and 0.00006; ExAC 0.00005; TOPMed 0.00005; gnomAD exomes 0.00006; 1000 Genomes Project 0.00040; 1000 Genomes Project 30x 0.00109.
gnomAD v4.1: 51 of 1,612,404 alleles (0.0032%); highest among the groups gnomAD compares: East Asian, 0.089%; 1 homozygote.

Submissions (2):

PreventionGenetics, part of Exact Sciences
Classification: Likely benign for DNM2-related condition. Last evaluated: 2025-11-04. Review status: criteria provided, single submitter. Criteria: ACMG Guidelines, 2015. Collection method: clinical testing. Allele origin: germline.
Comment: This variant is classified as likely benign based on ACMG/AMP sequence variant interpretation guidelines (Richards et al. 2015 PMID: 25741868, with internal and published modifications).

Labcorp Genetics (formerly Invitae), Labcorp
Classification: Likely benign for Charcot-Marie-Tooth disease dominant intermediate B. Last evaluated: 2025-09-10. Review status: criteria provided, single submitter. Criteria: Invitae Variant Classification Sherloc (09022015). Collection method: clinical testing. Allele origin: germline.